The following is an entry in ClinVar:

ClinVar aggregate classification (germline): Benign (1 of 4 stars; one submission).

Allele frequency attached by ClinVar (database versions not stated): 1000 Genomes Project 30x 0.28342; gnomAD 0.33758; 1000 Genomes Project 0.27915; TOPMed 0.33233.
gnomAD v4.1: 50,146 of 152,144 alleles (33%); highest among the groups gnomAD compares: Non-Finnish European, 38%; 8,521 homozygotes.

Submission:

GeneDx
Classification: Benign. Last evaluated: 2018-06-19. Review status: criteria provided, single submitter. Criteria: GeneDx Variant Classification (06012015). Collection method: clinical testing. Allele origin: germline. Affected: yes.
Comment: This variant is considered likely benign or benign based on one or more of the following criteria: it is a conservative change, it occurs at a poorly conserved position in the protein, it is predicted to be benign by multiple in silico algorithms, and/or has population frequency not consistent with disease.

NM_182760.4(SUMF1):c.445-237A>C

Gene: SUMF1 (sulfatase modifying factor 1; minus strand). Cytogenetic location: 3p26.1.
Variant type: single nucleotide variant.
Coding change: c.445-237A>C on transcript NM_182760.4 (MANE Select); 237 bases into the intron before coding-DNA position 445, A replaced by C.
Molecular consequence: intron variant.
Genome position (GRCh38, 1-based): chr3:4,449,577, T>G on the plus strand (A>C on the coding strand, the complement: SUMF1 is on the minus strand). VCF-style: chr3-4449577-T-G. GRCh37 (hg19) VCF-style: chr3-4491261-T-G.
Other names: c.444+3299A>C (NM_001164674.2); c.445-237A>C (NM_001164675.2).
Identifiers: ClinVar variation 684113 (VCV000684113.1), dbSNP rs711633, ClinGen allele CA11395133.
Genomic context (GRCh38, chr3:4,449,577, plus strand): 5'-TAATGTCACTTACAGAGACCATTTTCGTTTAAGACTCACTTAGCTGATAAGAATGCAGAC[T>G]GAACAAGATTAGCTTTTGAGAACGTGACTGTTCTTGAAGGAAATACATTTCCCCAAGTAT-3'